The following is an entry in ClinVar:

NM_000369.5(TSHR):c.692+49T>C

Genes: TSHR-AS1 (TSHR antisense RNA 1; minus strand), TSHR (thyroid stimulating hormone receptor; plus strand). Cytogenetic location: 14q31.1.
Variant type: single nucleotide variant.
Coding change: c.692+49T>C on transcript NM_000369.5 (MANE Select); 49 bases into the intron after coding-DNA position 692, T replaced by C.
Molecular consequence: intron variant.
Genome position (GRCh38, 1-based): chr14:81,108,501, T>C. VCF-style: chr14-81108501-T-C. GRCh37 (hg19) VCF-style: chr14-81574845-T-C.
Other names: c.693-48T>C (NM_001142626.3); c.692+49T>C (NM_001018036.3).
Identifiers: ClinVar variation 403571 (VCV000403571.7), dbSNP rs28636074, ClinGen allele CA16609763.

ClinVar aggregate classification (germline): Benign/Likely benign. Review status: criteria provided, multiple submitters, no conflicts (2 of 4 stars). 5 submissions from 3 submitters: Benign (3); Likely benign (2). Last evaluated 2021-09-10.

Conditions:
Familial gestational hyperthyroidism. Identifiers: Orphanet 99819, MedGen C1863959, MONDO:0011309, OMIM 603373.
Familial hyperthyroidism due to mutations in TSH receptor. Also called: TOXIC THYROID HYPERPLASIA, AUTOSOMAL DOMINANT; HYPERTHYROIDISM, CONGENITAL NONAUTOIMMUNE; HYPERTHYROIDISM, NONAUTOIMMUNE, AUTOSOMAL DOMINANT. Identifiers: Orphanet 424, MedGen C1836706, MONDO:0012203, OMIM 609152.
Hypothyroidism due to TSH receptor mutations. Also called: Hypothyroidism, congenital, nongoitrous, 1; HYPOTHYROIDISM DUE TO UNRESPONSIVENESS TO THYROTROPIN; HYPOTHYROIDISM, CONGENITAL, DUE TO TSH RESISTANCE; HYPOTHYROIDISM, NONAUTOIMMUNE; THYROID-STIMULATING HORMONE, RESISTANCE TO; TSH RESISTANCE. Identifiers: Orphanet 90673, MedGen C3493776, MONDO:0010142, OMIM 275200.

Allele frequency attached by ClinVar (database versions not stated): 1000 Genomes Project 0.01018; gnomAD 0.01429 and 0.01441; gnomAD exomes 0.02063.
gnomAD v4.1: 30,102 of 1,505,526 alleles (2%); highest among the groups gnomAD compares: Non-Finnish European, 2.3%; 521 homozygotes.

Submissions (5):

Genome-Nilou Lab
Classification: Benign for Familial gestational hyperthyroidism. Last evaluated: 2021-09-10. Review status: criteria provided, single submitter. Criteria: ACMG Guidelines, 2015. Collection method: clinical testing. Allele origin: germline. Affected: no.

Genome-Nilou Lab
Classification: Benign for Familial hyperthyroidism due to mutations in TSH receptor. Last evaluated: 2021-09-10. Review status: criteria provided, single submitter. Criteria: ACMG Guidelines, 2015. Collection method: clinical testing. Allele origin: germline. Affected: no.

Genome-Nilou Lab
Classification: Benign for Hypothyroidism due to TSH receptor mutations. Last evaluated: 2021-09-10. Review status: criteria provided, single submitter. Criteria: ACMG Guidelines, 2015. Collection method: clinical testing. Allele origin: germline. Affected: no.

Laboratory for Molecular Medicine, Mass General Brigham Personalized Medicine
Classification: Likely benign. Last evaluated: 2016-03-28. Review status: criteria provided, single submitter. Criteria: LMM Criteria. Collection method: clinical testing. Allele origin: germline.
Comment: Variant identified in a genome or exome case(s) and assessed due to predicted null impact of the variant or pathogenic assertions in the literature or databases. Disclaimer: This variant has not undergone full assessment. The following are preliminary notes: classification based on high MAF (>1% in 1000Genomes), outside of splice consensus sequence and lack of conservation

Breakthrough Genomics
Classification: Likely benign. Review status: criteria provided, single submitter. Criteria: ACMG Guidelines, 2015. Collection method: not provided. Allele origin: germline. Inheritance: Autosomal recessive inheritance. Affected: yes.